The following is an entry in ClinVar:

NM_002875.5(RAD51):c.391A>C (p.Thr131Pro)

Gene: RAD51 (RAD51 recombinase; plus strand). Cytogenetic location: 15q15.1.
Variant type: single nucleotide variant.
Coding change: c.391A>C on transcript NM_002875.5 (MANE Select); coding-DNA position 391, A replaced by C.
Protein change: p.Thr131Pro; replaces threonine 131 with proline.
Molecular consequence: missense variant.
Genome position (GRCh38, 1-based): chr15:40,709,072, A>C. VCF-style: chr15-40709072-A-C. GRCh37 (hg19) VCF-style: chr15-41001270-A-C.
Other names: c.394A>C, p.Thr132Pro (NM_001164269.2, NM_133487.4); c.391A>C, p.Thr131Pro (NM_001164270.2); short protein forms T131P, T132P.
Identifiers: ClinVar variation 916731 (VCV000916731.4), dbSNP rs1895530875, ClinGen allele CA391751197.

ClinVar aggregate classification (germline): Pathogenic. Review status: no assertion criteria provided (0 of 4 stars). 2 submissions from 2 submitters: Pathogenic (2). Last evaluated 2020-08-07.

Conditions:
Fanconi anemia complementation group R. Identifiers: MedGen C4284093, MONDO:0014986, OMIM 617244.

Submissions (2):

OMIM
Classification: Pathogenic for FANCONI ANEMIA, COMPLEMENTATION GROUP R. Last evaluated: 2020-08-07. Review status: no assertion criteria provided. Collection method: literature only. Allele origin: germline.

Leiden Open Variation Database
Classification: Pathogenic. Last evaluated: 2015-08-26. Review status: no assertion criteria provided. Collection method: curation. Allele origin: germline. Affected: yes.
Comment: Curator: Arleen D. Auerbach. Submitter to LOVD: Francis Lach. Comment: Variant observed de novo.

Literature cited by the submitters: PubMed 26253028 (cited by OMIM and Leiden Open Variation Database).